The following is an entry in ClinVar:

NM_052947.4(ALPK2):c.2612C>T (p.Thr871Ile)

Gene: ALPK2 (alpha kinase 2; minus strand). Cytogenetic location: 18q21.31.
Variant type: single nucleotide variant.
Coding change: c.2612C>T on transcript NM_052947.4 (MANE Select); coding-DNA position 2612, C replaced by T.
Protein change: p.Thr871Ile; replaces threonine 871 with isoleucine.
Molecular consequence: missense variant.
Genome position (GRCh38, 1-based): chr18:58,537,575, G>A on the plus strand (C>T on the coding strand, the complement: ALPK2 is on the minus strand). VCF-style: chr18-58537575-G-A. GRCh37 (hg19) VCF-style: chr18-56204807-G-A.
Other names: short protein forms T871I.
Identifiers: ClinVar variation 1793815 (VCV001793815.3), dbSNP rs2518877451, ClinGen allele CA402570154.

ClinVar aggregate classification (germline): Uncertain significance (1 of 4 stars; one submission).

gnomAD v4.1: 1 of 1,614,028 alleles (0.000062%); no homozygotes.

Submission:

Ambry Genetics
Classification: Uncertain significance. Last evaluated: 2024-07-15. Review status: criteria provided, single submitter. Criteria: Ambry Variant Classification Scheme 2023. Collection method: clinical testing. Allele origin: germline.
Comment: The p.T871I variant (also known as c.2612C>T), located in coding exon 4 of the ALPK2 gene, results from a C to T substitution at nucleotide position 2612. The threonine at codon 871 is replaced by isoleucine, an amino acid with similar properties. This amino acid position is conserved. In addition, this alteration is predicted to be tolerated by in silico analysis. Since supporting evidence is limited at this time, the clinical significance of this alteration remains unclear.